The following is an entry in ClinVar:

NM_016222.4(DDX41):c.540C>G (p.Ile180Met)

Gene: DDX41 (DEAD-box helicase 41; minus strand). Cytogenetic location: 5q35.3.
Variant type: single nucleotide variant.
Coding change: c.540C>G on transcript NM_016222.4 (MANE Select); coding-DNA position 540, C replaced by G.
Protein change: p.Ile180Met; replaces isoleucine 180 with methionine.
Molecular consequence: missense variant.
Genome position (GRCh38, 1-based): chr5:177,515,716, G>C on the plus strand (C>G on the coding strand, the complement: DDX41 is on the minus strand). VCF-style: chr5-177515716-G-C. GRCh37 (hg19) VCF-style: chr5-176942717-G-C.
Other names: c.162C>G, p.Ile54Met (NM_001321732.2, NM_001321830.2); short protein forms I180M, I54M.
Identifiers: ClinVar variation 4238767 (VCV004238767.1).

ClinVar aggregate classification (germline): Uncertain significance (1 of 4 stars; one submission).

Conditions:
Inborn genetic diseases. Identifiers: MedGen C0950123, MeSH D030342.

Submission:

Ambry Genetics
Classification: Uncertain significance for Inborn genetic diseases. Last evaluated: 2025-07-14. Review status: criteria provided, single submitter. Criteria: Ambry Variant Classification Scheme 2023. Collection method: clinical testing. Allele origin: germline.
Comment: The p.I180M variant (also known as c.540C>G), located in coding exon 6 of the DDX41 gene, results from a C to G substitution at nucleotide position 540. The isoleucine at codon 180 is replaced by methionine, an amino acid with highly similar properties. This amino acid position is conserved. In addition, this alteration is predicted to be tolerated by in silico analysis. Based on the available evidence, the clinical significance of this variant remains unclear.